The following is an entry in ClinVar:

NM_004260.4(RECQL4):c.2852G>A (p.Gly951Glu)

Gene: RECQL4 (RecQ like helicase 4; minus strand). Cytogenetic location: 8q24.3.
Variant type: single nucleotide variant.
Coding change: c.2852G>A on transcript NM_004260.4 (MANE Select); coding-DNA position 2852, G replaced by A.
Protein change: p.Gly951Glu; replaces glycine 951 with glutamic acid.
Molecular consequence: missense variant. On other transcripts: non-coding transcript variant (3).
Genome position (GRCh38, 1-based): chr8:144,512,675, C>T on the plus strand (G>A on the coding strand, the complement: RECQL4 is on the minus strand). VCF-style: chr8-144512675-C-T. GRCh37 (hg19) VCF-style: chr8-145738058-C-T.
Other names: c.1781G>A, p.Gly594Glu (NM_001413035.1, NM_001413040.1, NM_001413021.1 and 4 more transcripts); c.2852G>A, p.Gly951Glu (NM_001413036.1); c.1649G>A, p.Gly550Glu (NM_001413037.1); c.1583G>A, p.Gly528Glu (NM_001413038.1, NM_001413031.1); c.2822G>A, p.Gly941Glu (NM_001413039.1); c.1790G>A, p.Gly597Glu (NM_001413041.1); c.1751G>A, p.Gly584Glu (NM_001413042.1); c.1385G>A, p.Gly462Glu (NM_001413043.1); and 9 more; short protein forms G597E, G853E, G550E, G572E, G976E, G462E, G528E, G834E.
Identifiers: ClinVar variation 4152379 (VCV004152379.1).

ClinVar aggregate classification (germline): Uncertain significance (1 of 4 stars; one submission).

Conditions:
Inborn genetic diseases. Identifiers: MedGen C0950123, MeSH D030342.

Submission:

Ambry Genetics
Classification: Uncertain significance for Inborn genetic diseases. Last evaluated: 2025-07-14. Review status: criteria provided, single submitter. Criteria: Ambry Variant Classification Scheme 2023. Collection method: clinical testing. Allele origin: germline.
Comment: The p.G951E variant (also known as c.2852G>A), located in coding exon 16 of the RECQL4 gene, results from a G to A substitution at nucleotide position 2852. The glycine at codon 951 is replaced by glutamic acid, an amino acid with similar properties. This amino acid position is conserved. In addition, this alteration is predicted to be tolerated by in silico analysis. Based on the available evidence, the clinical significance of this variant remains unclear.